The following is an entry in ClinVar:

NM_001211.6(BUB1B):c.1823C>T (p.Thr608Ile)

Gene: BUB1B (BUB1 mitotic checkpoint serine/threonine kinase B; plus strand). Cytogenetic location: 15q15.1.
Variant type: single nucleotide variant.
Coding change: c.1823C>T on transcript NM_001211.6 (MANE Select); coding-DNA position 1823, C replaced by T.
Protein change: p.Thr608Ile; replaces threonine 608 with isoleucine.
Molecular consequence: missense variant.
Genome position (GRCh38, 1-based): chr15:40,206,272, C>T. VCF-style: chr15-40206272-C-T. GRCh37 (hg19) VCF-style: chr15-40498473-C-T.
Other names: short protein forms T608I.
Identifiers: ClinVar variation 4600669 (VCV004600669.1).

ClinVar aggregate classification (germline): Uncertain significance (1 of 4 stars; one submission).

Conditions:
Inborn genetic diseases. Identifiers: MedGen C0950123, MeSH D030342.

gnomAD v4.1: 1 of 1,614,156 alleles (0.000062%); highest among the groups gnomAD compares: East Asian, 0.0022%; no homozygotes.

Submission:

Ambry Genetics
Classification: Uncertain significance for Inborn genetic diseases. Last evaluated: 2025-12-11. Review status: criteria provided, single submitter. Criteria: Ambry Variant Classification Scheme 2023. Collection method: clinical testing. Allele origin: germline.
Comment: The p.T608I variant (also known as c.1823C>T), located in coding exon 15 of the BUB1B gene, results from a C to T substitution at nucleotide position 1823. The threonine at codon 608 is replaced by isoleucine, an amino acid with similar properties. This amino acid position is conserved. In addition, the in silico prediction for this alteration is inconclusive. Based on the available evidence, the clinical significance of this variant remains unclear.